The following is an entry in ClinVar:

ClinVar aggregate classification (germline): Uncertain significance (1 of 4 stars; one submission).

Submission:

Ambry Genetics
Classification: Uncertain significance. Last evaluated: 2024-11-17. Review status: criteria provided, single submitter. Criteria: Ambry Variant Classification Scheme 2023. Collection method: clinical testing. Allele origin: germline.
Comment: The p.M893I variant (also known as c.2679G>T), located in coding exon 1 of the MLH3 gene, results from a G to T substitution at nucleotide position 2679. The methionine at codon 893 is replaced by isoleucine, an amino acid with highly similar properties. This amino acid position is conserved. In addition, this alteration is predicted to be tolerated by in silico analysis. Based on the available evidence, the clinical significance of this variant remains unclear.

NM_001040108.2(MLH3):c.2679G>T (p.Met893Ile)

Gene: MLH3 (mutL homolog 3; minus strand). Cytogenetic location: 14q24.3.
Variant type: single nucleotide variant.
Coding change: c.2679G>T on transcript NM_001040108.2 (MANE Select); coding-DNA position 2679, G replaced by T.
Protein change: p.Met893Ile; replaces methionine 893 with isoleucine.
Molecular consequence: missense variant.
Genome position (GRCh38, 1-based): chr14:75,046,977, C>A on the plus strand (G>T on the coding strand, the complement: MLH3 is on the minus strand). VCF-style: chr14-75046977-C-A. GRCh37 (hg19) VCF-style: chr14-75513680-C-A.
Other names: c.2679G>T, p.Met893Ile (NM_014381.3); short protein forms M893I.
Identifiers: ClinVar variation 3396770 (VCV003396770.1).
Genomic context (GRCh38, chr14:75,046,977, plus strand): 5'-ACTGCACAACTTGCTGTCTTTCCTACTGGAATCTGAATTTGGAAGTTCATTAAAACGACT[C>A]ATCATCCCCATTGTTTGAGTTTCTCTTTCGGAACCCTTCAGTCTGGATAATTTAGAGGCT-3'
Protein context (NP_001035197.1, residues 883-903): SERETQTMGM[Met893Ile]SRFNELPNSD